The following is an entry in ClinVar:

ClinVar aggregate classification (germline): Uncertain significance (1 of 4 stars; one submission).

Conditions:
Mucopolysaccharidosis type 1. Also called: Mucopolysaccharidosis Type I; IDUA deficiency; MPS I. Identifiers: Orphanet 579, MedGen C0023786, MONDO:0001586.

Allele frequency attached by ClinVar (database versions not stated): TOPMed 0.00001; ExAC 0.00004.
gnomAD v4.1: 14 of 1,613,568 alleles (0.00087%); highest among the groups gnomAD compares: Admixed American, 0.023%; no homozygotes.

Submission:

Labcorp Genetics (formerly Invitae), Labcorp
Classification: Uncertain significance for Mucopolysaccharidosis type 1. Last evaluated: 2025-08-12. Review status: criteria provided, single submitter. Criteria: Invitae Variant Classification Sherloc (09022015). Collection method: clinical testing. Allele origin: germline.
Comment: This sequence change replaces lysine, which is basic and polar, with asparagine, which is neutral and polar, at codon 146 of the IDUA protein (p.Lys146Asn). This variant is present in population databases (rs774214351, gnomAD 0.04%). This variant has not been reported in the literature in individuals affected with IDUA-related conditions. ClinVar contains an entry for this variant (Variation ID: 2076069). Invitae Evidence Modeling of protein sequence and biophysical properties (such as structural, functional, and spatial information, amino acid conservation, physicochemical variation, residue mobility, and thermodynamic stability) has been performed for this missense variant. However, the output from this modeling did not meet the statistical confidence thresholds required to predict the impact of this variant on IDUA protein function. In summary, the available evidence is currently insufficient to determine the role of this variant in disease. Therefore, it has been classified as a Variant of Uncertain Significance.

NM_000203.5(IDUA):c.438G>C (p.Lys146Asn)

Gene: IDUA (alpha-L-iduronidase; plus strand). Cytogenetic location: 4p16.3.
Variant type: single nucleotide variant.
Coding change: c.438G>C on transcript NM_000203.5 (MANE Select); coding-DNA position 438, G replaced by C.
Protein change: p.Lys146Asn; replaces lysine 146 with asparagine.
Molecular consequence: missense variant. On other transcripts: non-coding transcript variant (1).
Genome position (GRCh38, 1-based): chr4:1,000,934, G>C. VCF-style: chr4-1000934-G-C. GRCh37 (hg19) VCF-style: chr4-994722-G-C.
Other names: c.42G>C, p.Lys14Asn (NM_001363576.1); short protein forms K14N, K146N.
Identifiers: ClinVar variation 2076069 (VCV002076069.2), dbSNP rs774214351, ClinGen allele CA2801922.